The following is an entry in ClinVar:

NM_000179.3(MSH6):c.979A>C (p.Thr327Pro)

Gene: MSH6 (mutS homolog 6; plus strand). Cytogenetic location: 2p16.3.
Variant type: single nucleotide variant.
Coding change: c.979A>C on transcript NM_000179.3 (MANE Select); coding-DNA position 979, A replaced by C.
Protein change: p.Thr327Pro; replaces threonine 327 with proline.
Molecular consequence: missense variant.
Genome position (GRCh38, 1-based): chr2:47,798,962, A>C. VCF-style: chr2-47798962-A-C. GRCh37 (hg19) VCF-style: chr2-48026101-A-C.
Other names: c.589A>C, p.Thr197Pro (NM_001281492.2); c.73A>C, p.Thr25Pro (NM_001281493.2, NM_001281494.2); short protein forms T327P, T197P, T25P.
Identifiers: ClinVar variation 525666 (VCV000525666.11), dbSNP rs730881814, ClinGen allele CA346741012.

ClinVar aggregate classification (germline): Uncertain significance. Review status: criteria provided, multiple submitters, no conflicts (2 of 4 stars). 2 submissions from 2 submitters: Uncertain significance (2). Last evaluated 2020-05-29.

Conditions:
Hereditary cancer-predisposing syndrome. Also called: Neoplastic Syndromes, Hereditary; Tumor predisposition; Hereditary Cancer Syndrome; Hereditary neoplastic syndrome. Identifiers: Orphanet 140162, MedGen C0027672, MeSH D009386, MONDO:0015356.
Hereditary nonpolyposis colorectal neoplasms. Identifiers: MedGen C0009405, MeSH D003123.

Submissions (2):

Labcorp Genetics (formerly Invitae), Labcorp
Classification: Uncertain significance for Hereditary nonpolyposis colorectal neoplasms. Last evaluated: 2020-05-29. Review status: criteria provided, single submitter. Criteria: Invitae Variant Classification Sherloc (09022015). Collection method: clinical testing. Allele origin: germline.
Comment: This sequence change replaces threonine with proline at codon 327 of the MSH6 protein (p.Thr327Pro). The threonine residue is weakly conserved and there is a small physicochemical difference between threonine and proline. This variant is not present in population databases (ExAC no frequency). This variant has not been reported in the literature in individuals with MSH6-related conditions. ClinVar contains an entry for this variant (Variation ID: 525666). Algorithms developed to predict the effect of missense changes on protein structure and function output the following: SIFT: "Tolerated"; PolyPhen-2: "Benign"; Align-GVGD: "Class C0". The proline amino acid residue is found in multiple mammalian species, suggesting that this missense change does not adversely affect protein function. These predictions have not been confirmed by published functional studies and their clinical significance is uncertain. In summary, the available evidence is currently insufficient to determine the role of this variant in disease. Therefore, it has been classified as a Variant of Uncertain Significance.

Ambry Genetics
Classification: Uncertain significance for Hereditary cancer-predisposing syndrome. Last evaluated: 2018-03-13. Review status: criteria provided, single submitter. Criteria: Ambry Variant Classification Scheme 2023. Collection method: clinical testing. Allele origin: germline.
Comment: The p.T327P variant (also known as c.979A>C), located in coding exon 4 of the MSH6 gene, results from an A to C substitution at nucleotide position 979. The threonine at codon 327 is replaced by proline, an amino acid with highly similar properties. This amino acid position is poorly conserved in available vertebrate species. In addition, this alteration is predicted to be tolerated by in silico analysis. In addition, the CoDP in silico tool predicts this alteration to have minor impact on molecular function, with a score of 0.000 (Terui H et al. J. Biomed. Sci. 2013 Apr;20:25). Since supporting evidence is limited at this time, the clinical significance of this alteration remains unclear.